The following is an entry in ClinVar:

ClinVar aggregate classification (germline): Likely pathogenic (1 of 4 stars; one submission).

Submission:

GeneDx
Classification: Likely pathogenic. Last evaluated: 2018-05-17. Review status: criteria provided, single submitter. Criteria: GeneDx Variant Classification (06012015). Collection method: clinical testing. Allele origin: germline. Affected: yes.
Comment: A variant of that is likely pathogenic has been identified in the FGFR2 gene. The c.1757_1758delACinsGA variant has not been published as a pathogenic variant, nor has it been reported as a benign variant to our knowledge. The c.1757_1758delACinsGA variant is not observed in large population cohorts (Lek et al., 2016). The c.1757_1758delACinsGA results in an in-frame deletion of a Tyrosine residue and the insertion of a premature stop codon, denoted p.Y586X. This variant is predicted to cause loss of normal protein function either through protein truncation or nonsense-mediated mRNA decay. Therefore, this variant is likely pathogenic; however, the possibility that it is benign cannot be excluded.

NM_000141.5(FGFR2):c.1757_1758delinsGA (p.Tyr586Ter)

Gene: FGFR2 (fibroblast growth factor receptor 2; minus strand). Cytogenetic location: 10q26.13.
Variant type: Indel.
Coding change: c.1757_1758delinsGA on transcript NM_000141.5 (MANE Select); coding-DNA positions 1757 to 1758, AC replaced by GA.
Protein change: p.Tyr586Ter; replaces tyrosine 586 with a stop codon.
Molecular consequence: nonsense. On other transcripts: non-coding transcript variant (1).
Genome position (GRCh38, 1-based): chr10:121,496,637-121,496,638, GT replaced by TC on the plus strand (AC replaced by GA on the coding strand, the reverse complement: FGFR2 is on the minus strand). VCF-style: chr10-121496637-GT-TC. GRCh37 (hg19) VCF-style: chr10-123256151-GT-TC.
Other names: c.1760_1761delinsGA, p.Tyr587Ter (NM_001144913.1, NM_022970.4); c.1421_1422delinsGA, p.Tyr474Ter (NM_001144914.1); c.1490_1491delinsGA, p.Tyr497Ter (NM_001144915.2); c.1412_1413delinsGA, p.Tyr471Ter (NM_001144916.2); c.1409_1410delinsGA, p.Tyr470Ter (NM_001144917.2); c.1406_1407delinsGA, p.Tyr469Ter (NM_001144918.2); c.1493_1494delinsGA, p.Tyr498Ter (NM_001144919.2); c.1073_1074delinsGA, p.Tyr358Ter (NM_001320654.2); and 2 more; short protein forms Y358*, Y469*, Y470*, Y474*, Y584*, Y586*, Y471*, Y587*.
Identifiers: ClinVar variation 546064 (VCV000546064.2), dbSNP rs1554914180, ClinGen allele CA658822038.